The following is an entry in ClinVar:

NM_012062.5(DNM1L):c.1596+9_1596+10del

Gene: DNM1L (dynamin 1 like; plus strand). Cytogenetic location: 12p11.21.
Variant type: Deletion.
Coding change: c.1596+9_1596+10del on transcript NM_012062.5 (MANE Select); bases 9 to 10 of the intron after coding-DNA position 1596, 2 bases deleted (AT; older notation c.1596+9_1596+10delAT).
Molecular consequence: intron variant.
Genome position (GRCh38, 1-based): chr12:32,737,170-32,737,171, AT deleted. VCF-style (leftmost placement, unchanged base first): chr12-32737169-AAT-A. GRCh37 (hg19) VCF-style: chr12-32890103-AAT-A.
Other names: c.1635+9_1635+10del (NM_001278464.2, NM_001278465.2, NM_001330380.2); c.987+9_987+10del (NM_001278466.2); c.1596+9_1596+10del (NM_001278463.2, NM_012063.4, NM_005690.5).
Identifiers: ClinVar variation 510880 (VCV000510880.5), dbSNP rs754982643, ClinGen allele CA6507598.

ClinVar aggregate classification (germline): Likely benign. Review status: criteria provided, multiple submitters, no conflicts (2 of 4 stars). 2 submissions from 2 submitters: Likely benign (2). Last evaluated 2024-10-30.

Allele frequency attached by ClinVar (database versions not stated): gnomAD 0.00001; gnomAD exomes 0.00001; ExAC 0.00003.

Submissions (2):

Labcorp Genetics (formerly Invitae), Labcorp
Classification: Likely benign. Last evaluated: 2024-10-30. Review status: criteria provided, single submitter. Criteria: Invitae Variant Classification Sherloc (09022015). Collection method: clinical testing. Allele origin: germline.

GeneDx
Classification: Likely benign. Last evaluated: 2017-07-31. Review status: criteria provided, single submitter. Criteria: GeneDx Variant Classification (06012015). Collection method: clinical testing. Allele origin: germline. Affected: yes.
Comment: This variant is considered likely benign or benign based on one or more of the following criteria: it is a conservative change, it occurs at a poorly conserved position in the protein, it is predicted to be benign by multiple in silico algorithms, and/or has population frequency not consistent with disease.